The following is an entry in ClinVar:

NM_138386.3(NAF1):c.763C>T (p.Arg255Trp)

Gene: NAF1 (nuclear assembly factor 1 ribonucleoprotein; minus strand). Cytogenetic location: 4q32.2.
Variant type: single nucleotide variant.
Coding change: c.763C>T on transcript NM_138386.3 (MANE Select); coding-DNA position 763, C replaced by T.
Protein change: p.Arg255Trp; replaces arginine 255 with tryptophan.
Molecular consequence: missense variant.
Genome position (GRCh38, 1-based): chr4:163,140,338, G>A on the plus strand (C>T on the coding strand, the complement: NAF1 is on the minus strand). VCF-style: chr4-163140338-G-A. GRCh37 (hg19) VCF-style: chr4-164061490-G-A.
Other names: c.763C>T, p.Arg255Trp (NM_001128931.2); short protein forms R255W.
Identifiers: ClinVar variation 3018250 (VCV003018250.3), dbSNP rs753285587, ClinGen allele CA3126267.

ClinVar aggregate classification (germline): Uncertain significance (1 of 4 stars; one submission).

Allele frequency attached by ClinVar (database versions not stated): ExAC 0.00001; gnomAD exomes 0.00001.
gnomAD v4.1: 14 of 1,606,910 alleles (0.00087%); highest among the groups gnomAD compares: East Asian, 0.0023%; no homozygotes.

Submission:

Labcorp Genetics (formerly Invitae), Labcorp
Classification: Uncertain significance. Last evaluated: 2023-10-11. Review status: criteria provided, single submitter. Criteria: Invitae Variant Classification Sherloc (09022015). Collection method: clinical testing. Allele origin: germline.
Comment: This sequence change replaces arginine, which is basic and polar, with tryptophan, which is neutral and slightly polar, at codon 255 of the NAF1 protein (p.Arg255Trp). This variant is present in population databases (rs753285587, gnomAD 0.003%). This variant has not been reported in the literature in individuals affected with NAF1-related conditions. An algorithm developed to predict the effect of missense changes on protein structure and function (PolyPhen-2) suggests that this variant is likely to be disruptive. In summary, the available evidence is currently insufficient to determine the role of this variant in disease. Therefore, it has been classified as a Variant of Uncertain Significance.